The following is an entry in ClinVar:

NM_000823.4(GHRHR):c.363G>T (p.Glu121Asp)

Gene: GHRHR (growth hormone releasing hormone receptor; plus strand). Cytogenetic location: 7p14.3.
Variant type: single nucleotide variant.
Coding change: c.363G>T on transcript NM_000823.4 (MANE Select); coding-DNA position 363, G replaced by T.
Protein change: p.Glu121Asp; replaces glutamic acid 121 with aspartic acid.
Molecular consequence: missense variant.
Genome position (GRCh38, 1-based): chr7:30,969,961, G>T. VCF-style: chr7-30969961-G-T. GRCh37 (hg19) VCF-style: chr7-31009576-G-T.
Other names: short protein forms E121D.
Identifiers: ClinVar variation 36274 (VCV000036274.17), dbSNP rs4988498, ClinGen allele CA213876.

ClinVar aggregate classification (germline): Benign. Review status: criteria provided, multiple submitters, no conflicts (2 of 4 stars). 5 submissions from 5 submitters: Benign (4). 1 of the submissions does not count toward it. Last evaluated 2026-02-01.

Conditions:
GHRHR-related disorder. Also called: GHRHR-related condition.
Idiopathic growth hormone deficiency (IGHD). Identifiers: MedGen C0342381.
Isolated growth hormone deficiency type IB (IGHD1B). Also called: IGHD 1B; IGHD IB. Identifiers: Orphanet 231671, Orphanet 631, MedGen C2748571, MONDO:0013006, OMIM 612781.

Allele frequency attached by ClinVar (database versions not stated): gnomAD 0.06919 and 0.07235; TOPMed 0.07476; ESP Exome Variant Server 0.08350; gnomAD exomes 0.04549 and 0.05159; ExAC 0.04728; 1000 Genomes Project 0.06410; 1000 Genomes Project 30x 0.06558.
gnomAD v4.1: 64,222 of 1,190,478 alleles (5.4%); highest among the groups gnomAD compares: African/African-American, 14%; 2,189 homozygotes.

Submissions (5):

Labcorp Genetics (formerly Invitae), Labcorp
Classification: Benign. Last evaluated: 2026-02-01. Review status: criteria provided, single submitter. Criteria: Invitae Variant Classification Sherloc (09022015). Collection method: clinical testing. Allele origin: germline.

GeneDx
Classification: Benign. Last evaluated: 2021-06-10. Review status: criteria provided, single submitter. Criteria: GeneDx Variant Classification Process June 2021. Collection method: clinical testing. Allele origin: germline. Affected: yes.

Illumina Laboratory Services, Illumina
Classification: Benign for Isolated growth hormone deficiency type IB. Last evaluated: 2018-01-13. Review status: criteria provided, single submitter. Criteria: ICSL Variant Classification Criteria 13 December 2019. Collection method: clinical testing. Allele origin: germline.
Comment: This variant was observed in the ICSL laboratory as part of a predisposition screen in an ostensibly healthy population. It had not been previously curated by ICSL or reported in the Human Gene Mutation Database (HGMD: prior to June 1st, 2018), and was therefore a candidate for classification through an automated scoring system. Utilizing variant allele frequency, disease prevalence and penetrance estimates, and inheritance mode, an automated score was calculated to assess if this variant is too frequent to cause the disease. Based on the score and internal cut-off values, a variant classified as benign is not then subjected to further curation. The score for this variant resulted in a classification of benign for this disease.

Women's Health and Genetics/Laboratory Corporation of America, LabCorp
Classification: Benign for Idiopathic Growth Hormone Deficiency. Last evaluated: 2011-08-18. Review status: criteria provided, single submitter. Criteria: LabCorp Variant Classification Summary - May 2015. Collection method: clinical testing. Allele origin: germline. Inheritance: autosomal unknown.
ClinVar note: Converted during submission from benign to Benign.

PreventionGenetics, part of Exact Sciences
Classification: Benign for GHRHR-related condition. Last evaluated: 2019-10-28. Review status: no assertion criteria provided. Collection method: clinical testing. Allele origin: germline. Not counted in ClinVar's aggregate classification.
Comment: This variant is classified as benign based on ACMG/AMP sequence variant interpretation guidelines (Richards et al. 2015 PMID: 25741868, with internal and published modifications).

Literature cited by the submitters: PubMed 11298081 (cited by Women's Health and Genetics/Laboratory Corporation of America, LabCorp); PubMed 11502843 (cited by Women's Health and Genetics/Laboratory Corporation of America, LabCorp); PubMed 10946881 (cited by Women's Health and Genetics/Laboratory Corporation of America, LabCorp); PubMed 19622623 (cited by Women's Health and Genetics/Laboratory Corporation of America, LabCorp).